The following is an entry in ClinVar:

NM_006073.4(TRDN):c.1904A>G (p.Lys635Arg)

Gene: TRDN (triadin; minus strand). Cytogenetic location: 6q22.31.
Variant type: single nucleotide variant.
Coding change: c.1904A>G on transcript NM_006073.4 (MANE Select); coding-DNA position 1904, A replaced by G.
Protein change: p.Lys635Arg; replaces lysine 635 with arginine.
Molecular consequence: missense variant.
Genome position (GRCh38, 1-based): chr6:123,255,869, T>C on the plus strand (A>G on the coding strand, the complement: TRDN is on the minus strand). VCF-style: chr6-123255869-T-C. GRCh37 (hg19) VCF-style: chr6-123577014-T-C.
Other names: c.1904A>G (NM_006073.2); short protein forms K635R.
Identifiers: ClinVar variation 1052154 (VCV001052154.11), dbSNP rs1179112140, ClinGen allele CA365562257.

ClinVar aggregate classification (germline): Uncertain significance. Review status: criteria provided, multiple submitters, no conflicts (2 of 4 stars). 2 submissions from 2 submitters: Uncertain significance (2). Last evaluated 2024-03-10.

Conditions:
Cardiovascular phenotype. Identifiers: MedGen CN230736.
Catecholaminergic polymorphic ventricular tachycardia 1. Also called: VENTRICULAR TACHYCARDIA, STRESS-INDUCED POLYMORPHIC 1; VENTRICULAR TACHYCARDIA, CATECHOLAMINERGIC POLYMORPHIC, 1, WITH OR WITHOUT ATRIAL DYSFUNCTION AND/OR DILATED CARDIOMYOPATHY; RYR2-Related Catecholaminergic Polymorphic Ventricular Tachycardia. Identifiers: Orphanet 3286, MedGen C1631597, MONDO:0011484, OMIM 604772.

Allele frequency attached by ClinVar (database versions not stated): gnomAD exomes below 0.00001; TOPMed below 0.00001; gnomAD 0.00001.
gnomAD v4.1: 3 of 1,356,708 alleles (0.00022%); highest among the groups gnomAD compares: Non-Finnish European, 0.00029%; no homozygotes.

Submissions (2):

Ambry Genetics
Classification: Uncertain significance for Cardiovascular phenotype. Last evaluated: 2024-03-10. Review status: criteria provided, single submitter. Criteria: Ambry Variant Classification Scheme 2023. Collection method: clinical testing. Allele origin: germline.
Comment: The p.K635R variant (also known as c.1904A>G), located in coding exon 36 of the TRDN gene, results from an A to G substitution at nucleotide position 1904. The lysine at codon 635 is replaced by arginine, an amino acid with highly similar properties. This amino acid position is conserved. In addition, this alteration is predicted to be tolerated by in silico analysis. Based on the available evidence, the clinical significance of this alteration remains unclear.

Labcorp Genetics (formerly Invitae), Labcorp
Classification: Uncertain significance for Catecholaminergic polymorphic ventricular tachycardia 1. Last evaluated: 2020-12-23. Review status: criteria provided, single submitter. Criteria: Invitae Variant Classification Sherloc (09022015). Collection method: clinical testing. Allele origin: germline.
Comment: Algorithms developed to predict the effect of missense changes on protein structure and function are either unavailable or do not agree on the potential impact of this missense change (SIFT: "Deleterious"; PolyPhen-2: "Probably Damaging"; Align-GVGD: "Class C0"). This variant has not been reported in the literature in individuals with TRDN-related conditions. This variant is not present in population databases (ExAC no frequency). This sequence change replaces lysine with arginine at codon 635 of the TRDN protein (p.Lys635Arg). The lysine residue is moderately conserved and there is a small physicochemical difference between lysine and arginine. In summary, the available evidence is currently insufficient to determine the role of this variant in disease. Therefore, it has been classified as a Variant of Uncertain Significance.